The following is an entry in ClinVar:

NM_144508.5(KNL1):c.610G>C (p.Asp204His)

Gene: KNL1 (kinetochore scaffold 1; plus strand). Cytogenetic location: 15q15.1.
Variant type: single nucleotide variant.
Coding change: c.610G>C on transcript NM_144508.5 (MANE Select); coding-DNA position 610, G replaced by C.
Protein change: p.Asp204His; replaces aspartic acid 204 with histidine.
Molecular consequence: missense variant.
Genome position (GRCh38, 1-based): chr15:40,620,874, G>C. VCF-style: chr15-40620874-G-C. GRCh37 (hg19) VCF-style: chr15-40913072-G-C.
Other names: c.688G>C, p.Asp230His (NM_170589.5); short protein forms D204H, D230H.
Identifiers: ClinVar variation 3777400 (VCV003777400.1).
Genomic context (GRCh38, chr15:40,620,874, plus strand): 5'-GCTAATTTAAAGCTTCACACCGAGGACTCAAGAATGAAAAAAGAAGTAAATTTTTCCGTG[G>C]ATCAAAACACTTCTTCAGAAAATAAAATAGATTTCAATGACTTCATAAAAAGATTGAAAA-3'
Protein context (NP_653091.3, residues 194-214): RMKKEVNFSV[Asp204His]QNTSSENKID

ClinVar aggregate classification (germline): Uncertain significance (1 of 4 stars; one submission).

gnomAD v4.1: 41 of 1,595,846 alleles (0.0026%); highest among the groups gnomAD compares: African/African-American, 0.018%; 1 homozygote.

Submission:

GeneDx
Classification: Uncertain significance. Last evaluated: 2024-10-08. Review status: criteria provided, single submitter. Criteria: GeneDx Variant Classification Process June 2021. Collection method: clinical testing. Allele origin: germline. Affected: yes.
Comment: Not observed at significant frequency in large population cohorts (gnomAD); In silico analysis supports that this missense variant has a deleterious effect on protein structure/function; Has not been previously published as pathogenic or benign to our knowledge